The following is an entry in ClinVar:

ClinVar aggregate classification (germline): Likely pathogenic (1 of 4 stars; one submission).

Conditions:
RP1L1-related disorder. Also called: RP1L1-related condition.

Submission:

PreventionGenetics, part of Exact Sciences
Classification: Likely pathogenic for RP1L1-related condition. Last evaluated: 2025-05-24. Review status: criteria provided, single submitter. Criteria: ACMG Guidelines, 2015. Collection method: clinical testing. Allele origin: germline.
Comment: The RP1L1 c.2970delC variant is predicted to result in a frameshift and premature protein termination (p.Glu991Argfs*80). To our knowledge, this variant has not been reported in the literature. This variant is reported in 0.010% of alleles in individuals of Ashkenazi Jewish descent in gnomAD. Frameshift variants in RP1L1 are expected to be pathogenic. This variant is interpreted as likely pathogenic.

NM_178857.6(RP1L1):c.2970del (p.Glu991fs)

Gene: RP1L1 (RP1 like 1). Cytogenetic location: 8p23.1.
Variant type: Deletion.
Coding change: c.2970del on transcript NM_178857.6 (MANE Select); coding-DNA position 2970, one base deleted.
Protein change: p.Glu991fs; shifts the reading frame from glutamic acid 991.
Molecular consequence: frameshift variant.
Genome position: GRCh38 VCF-style: chr8-10611127-CG-C. GRCh37 (hg19) VCF-style: chr8-10468637-CG-C.
Other names: short protein forms E991fs.
Identifiers: ClinVar variation 4996842 (VCV004996842.1).
Genomic context (GRCh38, chr8:10,611,127, plus strand): 5'-GTCCCGCCTGAGCTGGCTCCCCCAGGCCTTCCAGAGAATGGTCATCCCCAGGGTCCACCT[CG>C]GGGCCTCTCAGGCCACCCCCAGCTGCACCTGTGGTCTCGTCCGCCAACTCATATGTCATG-3'